The following is an entry in ClinVar:

ClinVar aggregate classification (germline): Uncertain significance (1 of 4 stars; one submission).

Conditions:
Hereditary cancer-predisposing syndrome. Also called: Neoplastic Syndromes, Hereditary; Tumor predisposition; Hereditary Cancer Syndrome; Hereditary neoplastic syndrome. Identifiers: Orphanet 140162, MedGen C0027672, MeSH D009386, MONDO:0015356.

Submission:

Ambry Genetics
Classification: Uncertain significance for Hereditary cancer-predisposing syndrome. Last evaluated: 2026-03-25. Review status: criteria provided, single submitter. Criteria: Ambry Variant Classification Scheme 2023. Collection method: clinical testing. Allele origin: germline.
Comment: The p.S3094P variant (also known as c.9280T>C), located in coding exon 24 of the BRCA2 gene, results from a T to C substitution at nucleotide position 9280. The serine at codon 3094 is replaced by proline, an amino acid with similar properties. Two saturation genome editing-based studies, including a haploid cell-survival assay and a humanized mouse embryonic stem cell line assay of drug response and survival, demonstrate that this nucleotide substitution is non-functional (Huang H et al. Nature, 2025 Feb;638:528-537; Sahu S et al. Nature, 2025 Feb;638:538-545). This amino acid position is well conserved in available vertebrate species. In addition, the in silico prediction for this alteration is inconclusive. Based on the available evidence, the clinical significance of this variant remains unclear.

Literature cited by the submitters: PubMed 39779848; PubMed 39779857.

NM_000059.4(BRCA2):c.9280T>C (p.Ser3094Pro)

Gene: BRCA2 (BRCA2 DNA repair associated; plus strand). Cytogenetic location: 13q13.1.
Variant type: single nucleotide variant.
Coding change: c.9280T>C on transcript NM_000059.4 (MANE Select); coding-DNA position 9280, T replaced by C.
Protein change: p.Ser3094Pro; replaces serine 3094 with proline.
Molecular consequence: missense variant. On other transcripts: non-coding transcript variant (1).
Genome position (GRCh38, 1-based): chr13:32,394,712, T>C. VCF-style: chr13-32394712-T-C. GRCh37 (hg19) VCF-style: chr13-32968849-T-C.
Other names: c.9184T>C, p.Ser3062Pro (NM_001406719.1); c.9229T>C, p.Ser3077Pro (NM_001406720.1); c.4348T>C, p.Ser1450Pro (NM_001406721.1); c.2863T>C, p.Ser955Pro (NM_001406722.1); c.9280T>C, p.Ser3094Pro (NM_001432077.1); short protein forms S1450P, S3062P, S3077P, S3094P, S955P.
Identifiers: ClinVar variation 4867784 (VCV004867784.1).